The following is an entry in ClinVar:

ClinVar aggregate classification (germline): Benign/Likely benign. Review status: criteria provided, multiple submitters, no conflicts (2 of 4 stars). 6 submissions from 6 submitters: Benign (2); Likely benign (2). 2 of the submissions do not count toward it. Last evaluated 2026-08-01.

Allele frequency attached by ClinVar (database versions not stated): 1000 Genomes Project 30x 0.00172; 1000 Genomes Project 0.00180; ExAC 0.00255; gnomAD exomes 0.00309 and 0.00541; ESP Exome Variant Server 0.00400; gnomAD 0.00420 and 0.00439; TOPMed 0.00491.
gnomAD v4.1: 8,522 of 1,613,276 alleles (0.53%); highest among the groups gnomAD compares: Non-Finnish European, 0.65%; 19 homozygotes.

Submissions (6):

CeGaT Center for Human Genetics Tuebingen
Classification: Likely benign. Last evaluated: 2026-08-01. Review status: criteria provided, single submitter. Criteria: CeGaT Center For Human Genetics Tuebingen Variant Classification Criteria Version 2. Collection method: clinical testing. Allele origin: germline. Affected: yes. Observed: 8 variant alleles.
Comment: PI4KA: BP4, BP7, BS2

Blueprint Genetics
Classification: Likely benign. Last evaluated: 2024-11-25. Review status: criteria provided, single submitter. Criteria: ACMG Guidelines, 2015. Collection method: clinical testing. Allele origin: germline.

Labcorp Genetics (formerly Invitae), Labcorp
Classification: Benign. Last evaluated: 2019-12-31. Review status: criteria provided, single submitter. Criteria: Invitae Variant Classification Sherloc (09022015). Collection method: clinical testing. Allele origin: germline.

Breakthrough Genomics
Classification: Benign. Review status: criteria provided, single submitter. Criteria: ACMG Guidelines, 2015. Collection method: not provided. Allele origin: germline. Inheritance: Autosomal recessive inheritance. Affected: yes.

Clinical Genetics DNA and cytogenetics Diagnostics Lab, Erasmus MC, Erasmus Medical Center
Classification: Likely benign. Review status: no assertion criteria provided. Collection method: clinical testing. Allele origin: germline. Affected: yes. Study: VKGL Data-share Consensus. Not counted in ClinVar's aggregate classification.

Diagnostic Laboratory, Department of Genetics, University Medical Center Groningen
Classification: Likely benign. Review status: no assertion criteria provided. Collection method: clinical testing. Allele origin: germline. Affected: yes. Study: VKGL Data-share Consensus. Not counted in ClinVar's aggregate classification.

NM_058004.4(PI4KA):c.5235G>A (p.Ser1745=)

Gene: PI4KA (phosphatidylinositol 4-kinase alpha; minus strand). Cytogenetic location: 22q11.21.
Variant type: single nucleotide variant.
Coding change: c.5235G>A on transcript NM_058004.4 (MANE Select); coding-DNA position 5235, G replaced by A.
Protein change: p.Ser1745=; no amino-acid change (serine 1745 retained).
Molecular consequence: synonymous variant.
Genome position (GRCh38, 1-based): chr22:20,718,704, C>T on the plus strand (G>A on the coding strand, the complement: PI4KA is on the minus strand). VCF-style: chr22-20718704-C-T. GRCh37 (hg19) VCF-style: chr22-21072992-C-T.
Other names: c.5142G>A, p.Ser1714= (NM_001362862.2); c.5169G>A, p.Ser1723= (NM_001362863.2).
Identifiers: ClinVar variation 791413 (VCV000791413.33), dbSNP rs143539146, ClinGen allele CA10114768.
Genomic context (GRCh38, chr22:20,718,704, plus strand): 5'-GGGACTGGAAGGAGATCCCAGAAGGTGGTTTCTGAAGCACTGCACTTACTTGATGATAGC[C>T]GACACGTTGGTGATCTTGTTAAAGAAATCAAACTCCCGCTGGTAAAAGTCCTTCGCTGGG-3'
Protein context (NP_477352.3, residues 1735-1755): FDFFNKITNV[Ser1745=]AIIKPYPKGD